The following is an entry in ClinVar:

NM_000277.3(PAH):c.912G>A (p.Gln304=)

Genes: PAH (phenylalanine hydroxylase; minus strand), LOC126861615 (CDK7 strongly-dependent group 2 enhancer GRCh37_chr12:103244689-103245888; plus strand). Cytogenetic location: 12q23.2.
Variant type: single nucleotide variant.
Coding change: c.912G>A on transcript NM_000277.3 (MANE Select); coding-DNA position 912, G replaced by A.
Protein change: p.Gln304=; no amino-acid change (glutamine 304 retained).
Molecular consequence: synonymous variant.
Genome position (GRCh38, 1-based): chr12:102,851,687, C>T on the plus strand (G>A on the coding strand, the complement: PAH is on the minus strand). VCF-style: chr12-102851687-C-T. GRCh37 (hg19) VCF-style: chr12-103245465-C-T.
Other names: c.912G>A, p.Gln304= (NM_001354304.2); c.912G>A (NM_000277.2).
Identifiers: ClinVar variation 102892 (VCV000102892.21), dbSNP rs199475583, ClinGen allele CA229845.

ClinVar aggregate classification (germline): Likely pathogenic. Review status: reviewed by expert panel (3 of 4 stars). 6 submissions from 6 submitters: Likely pathogenic (1). 5 of the submissions do not count toward it. Last evaluated 2019-08-06.

Conditions:
Phenylketonuria (PKU). Also called: Phenylketonuria (PKU); FOLLING DISEASE; OLIGOPHRENIA PHENYLPYRUVICA; Phenylketonurias. Identifiers: Orphanet 716, MedGen C0031485, MONDO:0009861, OMIM 261600. Disease mechanism: loss of function.

Allele frequency attached by ClinVar (database versions not stated): gnomAD exomes below 0.00001; ExAC 0.00001; TOPMed 0.00001.
gnomAD v4.1: 4 of 1,613,540 alleles (0.00025%); highest among the groups gnomAD compares: Admixed American, 0.0017%; no homozygotes.

Submissions (6):

ClinGen PAH Variant Curation Expert Panel
Classification: Likely pathogenic for Phenylketonuria. Last evaluated: 2019-08-06. Review status: reviewed by expert panel. Criteria: ClinGen PAH ACMG Specifications v1. Collection method: curation. Allele origin: germline. Inheritance: Autosomal recessive inheritance.
Comment: The c.912G>A (p.Gln304Gln) variant in PAH has been reported in multiple PKU patients (BH4 deficiency excluded in some) (PMID: 23514811). This variant is absent from 1000G and ESP, and has an extremely low frequency in gnomAD (MAF=0.000004). This is a synonymous variant that occurs at the junction of exon8/intron8, and computational analyses (Alamut v.2.11) predict that this variant may impact splicing by reducing (~20%) the canonical donor site. p.Gln304= has been detected with multiple pathogenic variants without confirmation of parental testing to determine phase: R241H (VarID102804, PMID: 27413125); K363fsdelG (c.1089delG, VarID102518, PMID: 8659548); I65T (VarID636) and A300S (VarID92751, PMID: 2351481); p.R176L (VarID631, PMID: 23500595). In summary, this variant meets criteria to be classified as likely pathogenic for PAH. PAH-specific ACMG/AMP criteria applied: PP3, PM2, PM3_strong, PP4_moderate.

Labcorp Genetics (formerly Invitae), Labcorp
Classification: Pathogenic for Phenylketonuria. Last evaluated: 2025-09-10. Review status: criteria provided, single submitter. Criteria: Invitae Variant Classification Sherloc (09022015). Collection method: clinical testing. Allele origin: germline. Not counted in ClinVar's aggregate classification.
Comment: This sequence change affects codon 304 of the PAH mRNA. It is a 'silent' change, meaning that it does not change the encoded amino acid sequence of the PAH protein. This variant also falls at the last nucleotide of exon 8, which is part of the consensus splice site for this exon. This variant is present in population databases (rs199475583, gnomAD 0.003%). This variant has been observed in individual(s) with hyperphenylalaninemia (PMID: 8659548, 9359039, 23500595, 24941924). This variant is also known as p.Gln304Gln. ClinVar contains an entry for this variant (Variation ID: 102892). Variants that disrupt the consensus splice site are a relatively common cause of aberrant splicing (PMID: 17576681, 9536098). Algorithms developed to predict the effect of sequence changes on RNA splicing suggest that this variant may disrupt the consensus splice site. For these reasons, this variant has been classified as Pathogenic.

Natera, Inc.
Classification: Pathogenic for Phenylketonuria. Last evaluated: 2025-03-06. Review status: criteria provided, single submitter. Criteria: Natera Variant Classification Schema (03/2026). Collection method: clinical testing. Allele origin: germline. Not counted in ClinVar's aggregate classification.
Comment: The c.912G>A variant in PAH is a synonymous variant that does not alter the encoded amino acid at position 304 (p.Q304=). This variant is rare in the general population with a frequency below the threshold expected for the associated phenotype(s). This variant has been observed in one or more individuals affected with the associated recessive disease, as either homozygous or compound heterozygous with a second variant (PMID: 27121329, 31623983). Computational prediction algorithms indicate this variant is likely to affect gene or protein function. Given the available evidence, this variant is classified as Pathogenic.

Illumina Laboratory Services, Illumina
Classification: Uncertain significance for Phenylketonuria. Last evaluated: 2017-04-27. Review status: criteria provided, single submitter. Criteria: ICSL Variant Classification Criteria 13 December 2019. Collection method: clinical testing. Allele origin: germline. Not counted in ClinVar's aggregate classification.
Comment: This variant was observed as part of a predisposition screen in an ostensibly healthy population. A literature search was performed for the gene, cDNA change, and amino acid change (where applicable). Publications were found based on this search. However, the evidence from the literature, in combination with allele frequency data from public databases where available, was not sufficient to rule this variant in or out of causing disease. Therefore, this variant is classified as a variant of unknown significance.

Counsyl
Classification: Likely pathogenic for Phenylketonuria. Last evaluated: 2018-01-22. Review status: no assertion criteria provided. Collection method: clinical testing. Allele origin: unknown. Not counted in ClinVar's aggregate classification.

DeBelle Laboratory for Biochemical Genetics, MUHC/MCH RESEARCH INSTITUTE
No classification provided. Review status: no classification provided. Collection method: not provided. Allele origin: not provided. Not counted in ClinVar's aggregate classification.

Literature cited by the submitters: PubMed 26413448 (cited by ClinGen PAH Variant Curation Expert Panel and Illumina Laboratory Services, Illumina); PubMed 8659548 (cited by 3 submitters); PubMed 23500595 (cited by 4 submitters); PubMed 24941924 (cited by 4 submitters); PubMed 23514811 (cited by ClinGen PAH Variant Curation Expert Panel and Counsyl); PubMed 27413125 (cited by ClinGen PAH Variant Curation Expert Panel); PubMed 7766951 (cited by 3 submitters); PubMed 9359039 (cited by Labcorp Genetics (formerly Invitae), Labcorp and Illumina Laboratory Services, Illumina); PubMed 17576681 (cited by Labcorp Genetics (formerly Invitae), Labcorp); PubMed 9536098 (cited by Labcorp Genetics (formerly Invitae), Labcorp); PubMed 27121329 (cited by Natera, Inc.); PubMed 31623983 (cited by Natera, Inc.); PubMed 10234516 (cited by Illumina Laboratory Services, Illumina); PubMed 9634518 (cited by Illumina Laboratory Services, Illumina).